The following is an entry in ClinVar:

ClinVar aggregate classification (germline): Likely pathogenic (1 of 4 stars; one submission).

Conditions:
Leber congenital amaurosis (LCA). Also called: Leber's amaurosis. Identifiers: Orphanet 65, MedGen C0339527, MeSH D057130, MONDO:0018998.

Submission:

Natera, Inc.
Classification: Likely pathogenic for Leber congenital amaurosis. Last evaluated: 2025-11-17. Review status: criteria provided, single submitter. Criteria: Natera Variant Classification Schema (03/2026). Collection method: clinical testing. Allele origin: germline.
Comment: The c.829delC variant in RDH12 is a frameshift variant predicted to shift the reading frame and introduce a stop codon. This variant is expected to result in nonsense mediated decay, truncation, or a dysfunctional protein product. This variant is rare in the general population with a frequency below the threshold expected for the associated phenotype(s). Given the available evidence, this variant is classified as Likely Pathogenic.

NM_152443.3(RDH12):c.829del (p.Pro276_Leu277insTer)

Genes: GPHN (gephyrin; plus strand), RDH12 (retinol dehydrogenase 12; plus strand), ZFYVE26 (zinc finger FYVE-type containing 26; minus strand). Cytogenetic location: 14q24.1.
Variant type: Deletion.
Coding change: c.829del on transcript NM_152443.3 (MANE Select); coding-DNA position 829, one base deleted (C; older notation c.829delC).
Protein change: p.Pro276_Leu277insTer.
Molecular consequence: nonsense.
Genome position (GRCh38, 1-based): chr14:67,729,361, C deleted; the last of 4 consecutive C bases (chr14:67,729,358-67,729,361); deleting any one gives the same sequence. VCF-style (leftmost placement, unchanged base first): chr14-67729357-GC-G. GRCh37 (hg19) VCF-style: chr14-68196074-GC-G.
Identifiers: ClinVar variation 4816879 (VCV004816879.1).